The following is an entry in ClinVar:

ClinVar aggregate classification (germline): Conflicting classifications of pathogenicity. Review status: criteria provided, conflicting classifications (1 of 4 stars). 2 submissions from 2 submitters: Likely pathogenic (1); Uncertain significance (1). Last evaluated 2024-10-23.

Conditions:
Neurofibromatosis, type 1 (NF1). Also called: VON RECKLINGHAUSEN DISEASE; NEUROFIBROMATOSIS, TYPE I, SOMATIC; Peripheral type neurofibromatosis; Neurofibromatosis, type I. Identifiers: Orphanet 636, MedGen C0027831, MONDO:0018975, OMIM 162200. Disease mechanism: loss of function.

Submissions (2):

Labcorp Genetics (formerly Invitae), Labcorp
Classification: Likely pathogenic for Neurofibromatosis, type 1. Last evaluated: 2024-10-23. Review status: criteria provided, single submitter. Criteria: Invitae Variant Classification Sherloc (09022015). Collection method: clinical testing. Allele origin: germline.
Comment: This sequence change replaces histidine, which is basic and polar, with proline, which is neutral and non-polar, at codon 1626 of the NF1 protein (p.His1626Pro). This variant is not present in population databases (gnomAD no frequency). This missense change has been observed in individual(s) with clinical features of neurofibromatosis (internal data). ClinVar contains an entry for this variant (Variation ID: 527479). Invitae Evidence Modeling of protein sequence and biophysical properties (such as structural, functional, and spatial information, amino acid conservation, physicochemical variation, residue mobility, and thermodynamic stability) indicates that this missense variant is expected to disrupt NF1 protein function with a positive predictive value of 95%. In summary, the currently available evidence indicates that the variant is pathogenic, but additional data are needed to prove that conclusively. Therefore, this variant has been classified as Likely Pathogenic.

GeneDx
Classification: Uncertain significance. Last evaluated: 2022-10-06. Review status: criteria provided, single submitter. Criteria: GeneDx Variant Classification Process June 2021. Collection method: clinical testing. Allele origin: germline. Affected: yes.
Comment: Not observed at significant frequency in large population cohorts (gnomAD); In silico analysis supports that this missense variant has a deleterious effect on protein structure/function; Observed in a patient with clinically suspected neurofibromatosis type 1 in published literature (Wu-Chou et al., 2018); Also known as c.4940 A>C p.(His1647Pro); This variant is associated with the following publications: (PMID: 30290804)

NM_001042492.3(NF1):c.4940A>C (p.His1647Pro)

Gene: NF1 (neurofibromin 1; plus strand). Cytogenetic location: 17q11.2.
Variant type: single nucleotide variant.
Coding change: c.4940A>C on transcript NM_001042492.3 (MANE Select); coding-DNA position 4940, A replaced by C.
Protein change: p.His1647Pro; replaces histidine 1647 with proline.
Molecular consequence: missense variant.
Genome position (GRCh38, 1-based): chr17:31,325,924, A>C. VCF-style: chr17-31325924-A-C. GRCh37 (hg19) VCF-style: chr17-29652942-A-C.
Other names: c.4877A>C, p.His1626Pro (NM_000267.4); short protein forms H1626P, H1647P.
Identifiers: ClinVar variation 527479 (VCV000527479.6), dbSNP rs1555533307, ClinGen allele CA399007154.